The following is an entry in ClinVar:

NM_013352.4(DSE):c.1522T>A (p.Ser508Thr)

Gene: DSE (dermatan sulfate epimerase; plus strand). Cytogenetic location: 6q22.1.
Variant type: single nucleotide variant.
Coding change: c.1522T>A on transcript NM_013352.4 (MANE Select); coding-DNA position 1522, T replaced by A.
Protein change: p.Ser508Thr; replaces serine 508 with threonine.
Molecular consequence: missense variant. On other transcripts: 3 prime UTR variant (2), non-coding transcript variant (1).
Genome position (GRCh38, 1-based): chr6:116,435,990, T>A. VCF-style: chr6-116435990-T-A. GRCh37 (hg19) VCF-style: chr6-116757153-T-A.
Other names: c.1522T>A, p.Ser508Thr (NM_001080976.3, NM_001322937.2, NM_001322938.2); c.1579T>A, p.Ser527Thr (NM_001322939.2); c.961T>A, p.Ser321Thr (NM_001322940.2, NM_001322941.2); c.*387T>A (NM_001322943.2, NM_001322944.2); c.523T>A, p.Ser175Thr (NM_001374520.1); c.487T>A, p.Ser163Thr (NM_001374521.1); short protein forms S163T, S175T, S321T, S508T, S527T.
Identifiers: ClinVar variation 3897216 (VCV003897216.1).

ClinVar aggregate classification (germline): Uncertain significance (1 of 4 stars; one submission).

gnomAD v4.1: 2 of 1,614,132 alleles (0.00012%); highest among the groups gnomAD compares: Non-Finnish European, 0.00017%; no homozygotes.

Submission:

GeneDx
Classification: Uncertain significance. Last evaluated: 2024-11-04. Review status: criteria provided, single submitter. Criteria: GeneDx Variant Classification Process June 2021. Collection method: clinical testing. Allele origin: germline. Affected: yes.
Comment: Not observed at significant frequency in large population cohorts (gnomAD); In silico analysis indicates that this missense variant does not alter protein structure/function; Has not been previously published as pathogenic or benign to our knowledge